The following is an entry in ClinVar:

NM_001913.5(CUX1):c.1476C>G (p.Ala492=)

Gene: CUX1 (cut like homeobox 1; plus strand). Cytogenetic location: 7q22.1.
Variant type: single nucleotide variant.
Coding change: c.1476C>G on transcript NM_001913.5 (MANE Plus Clinical); coding-DNA position 1476, C replaced by G.
Protein change: p.Ala492=; no amino-acid change (alanine 492 retained).
Molecular consequence: synonymous variant.
Genome position (GRCh38, 1-based): chr7:102,275,272, C>G. VCF-style: chr7-102275272-C-G. GRCh37 (hg19) VCF-style: chr7-101918543-C-G.
Other names: c.1359C>G, p.Ala453= (NM_001202546.3); c.1470C>G, p.Ala490= (NM_181500.4); c.1428C>G, p.Ala476= (NM_001202544.3); c.1338C>G, p.Ala446= (NM_001202545.3).
Identifiers: ClinVar variation 3049767 (VCV003049767.3), dbSNP rs140831161, ClinGen allele CA4411680.
Genomic context (GRCh38, chr7:102,275,272, plus strand): 5'-TGCCACCCCCCAAGCCACCCTCCTCTACCTGCTAGGACCTGCAGCACCAGCCAGCGGTGC[C>G]CTCCCAGAGGGCCAGGTGGATTCACTGCTTTCCATCATCTCCAGCCAGAGGGAGCGCTTC-3'
Protein context (NP_001904.2, residues 482-502): FYGPAAPASG[Ala492=]LPEGQVDSLL

ClinVar aggregate classification (germline): Likely benign. Review status: criteria provided, single submitter (1 of 4 stars). 2 submissions from 2 submitters: Likely benign (1). 1 of the submissions does not count toward it. Last evaluated 2024-07-16.

Conditions:
CUX1-related disorder. Also called: CUX1-related condition.

Allele frequency attached by ClinVar (database versions not stated): ESP Exome Variant Server 0.00069; 1000 Genomes Project 0.00040; 1000 Genomes Project 30x 0.00062.
gnomAD v4.1: 221 of 1,610,646 alleles (0.014%); highest among the groups gnomAD compares: African/African-American, 0.27%; 1 homozygote.

Submissions (2):

Blueprint Genetics
Classification: Likely benign. Last evaluated: 2024-07-16. Review status: criteria provided, single submitter. Criteria: ACMG Guidelines, 2015. Collection method: clinical testing. Allele origin: germline.

PreventionGenetics, part of Exact Sciences
Classification: Likely benign for CUX1-related condition. Last evaluated: 2019-07-15. Review status: no assertion criteria provided. Collection method: clinical testing. Allele origin: germline. Not counted in ClinVar's aggregate classification.
Comment: This variant is classified as likely benign based on ACMG/AMP sequence variant interpretation guidelines (Richards et al. 2015 PMID: 25741868, with internal and published modifications).